The following is an entry in ClinVar:

NM_000090.4(COL3A1):c.1709G>A (p.Gly570Asp)

Gene: COL3A1 (collagen type III alpha 1 chain; plus strand). Cytogenetic location: 2q32.2.
Variant type: single nucleotide variant.
Coding change: c.1709G>A on transcript NM_000090.4 (MANE Select); coding-DNA position 1709, G replaced by A.
Protein change: p.Gly570Asp; replaces glycine 570 with aspartic acid.
Molecular consequence: missense variant.
Genome position (GRCh38, 1-based): chr2:188,996,444, G>A. VCF-style: chr2-188996444-G-A. GRCh37 (hg19) VCF-style: chr2-189861170-G-A.
Other names: short protein forms G570D.
Identifiers: ClinVar variation 1489113 (VCV001489113.9), dbSNP rs2153502685, ClinGen allele CA349852719.

ClinVar aggregate classification (germline): Likely pathogenic. Review status: criteria provided, multiple submitters, no conflicts (2 of 4 stars). 2 submissions from 2 submitters: Likely pathogenic (2). Last evaluated 2026-06-17.

Conditions:
Ehlers-Danlos syndrome, type 4 (EDSVASC). Also called: Ehlers-Danlos syndrome vascular type; Ehlers Danlos syndrome, ecchymotic type; Ehlers Danlos syndrome, arterial type; Ehlers Danlos syndrome, Sack-Barabas type; Ehlers-Danlos Syndrome Type IV. Identifiers: Orphanet 286, MedGen C0268338, MONDO:0017314, OMIM 130050.
Familial thoracic aortic aneurysm and aortic dissection (TAAD). Also called: Thoracic aortic aneurysms and dissections. Identifiers: Orphanet 91387, MedGen C4707243, MONDO:0019625.

Submissions (2):

Ambry Genetics
Classification: Likely pathogenic for Familial thoracic aortic aneurysm and aortic dissection. Last evaluated: 2026-06-17. Review status: criteria provided, single submitter. Criteria: Ambry Variant Classification Scheme 2023. Collection method: clinical testing. Allele origin: germline.
Comment: The p.G570D variant (also known as c.1709G>A), located in coding exon 24 of the COL3A1 gene, results from a G to A substitution at nucleotide position 1709. The glycine at codon 570 is replaced by aspartic acid, an amino acid with similar properties. This variant was determined to be de novo in at least one individual with features consistent with COL3A1-related Ehlers-Danlos syndrome (Ambry internal data). The majority (approximately two-thirds) ofCOL3A1mutations identified to date have involved the substitution of another amino acid for glycine within the triple-helical domain (PepinMG et al.GenetMed.2014;16(12):881-8; Frank M et al.Eur J Hum Genet. 2015;23(12):1657-64). Internal structural analysis indicates that this alteration disrupts the characteristic G-X-Y motif in theCOL3A1protein and inserts a bulky side chain into asterically-constrainedregion (Bella J et al.Science.1994;266:75-81;HohenesterE et al.Proc. Natl.Acad. Sci. U.S.A.2008;105:18273-7; Ambry internal data). This amino acid position is highly conserved in available vertebrate species. In addition, this alteration is predicted to be deleterious by in silico analysis. This variant is considered to be rare based on population cohorts in the Genome Aggregation Database (gnomAD). Based on the majority of available evidence to date, this variant is likely to be pathogenic.

Labcorp Genetics (formerly Invitae), Labcorp
Classification: Likely pathogenic for Ehlers-Danlos syndrome, type 4. Last evaluated: 2021-10-28. Review status: criteria provided, single submitter. Criteria: Invitae Variant Classification Sherloc (09022015). Collection method: clinical testing. Allele origin: germline.
Comment: This variant has not been reported in the literature in individuals affected with COL3A1-related conditions. Advanced modeling of protein sequence and biophysical properties (such as structural, functional, and spatial information, amino acid conservation, physicochemical variation, residue mobility, and thermodynamic stability) performed at Invitae indicates that this missense variant is expected to disrupt COL3A1 protein function. This variant is not present in population databases (gnomAD no frequency). This sequence change replaces glycine, which is neutral and non-polar, with aspartic acid, which is acidic and polar, at codon 570 of the COL3A1 protein (p.Gly570Asp). In summary, the currently available evidence indicates that the variant is pathogenic, but additional data are needed to prove that conclusively. Therefore, this variant has been classified as Likely Pathogenic. This variant disrupts the triple helix domain of COL3A1. Glycine residues within the Gly-Xaa-Yaa repeats of the triple helix domain are required for the structure and stability of fibrillar collagens (PMID: 7695699, 8218237, 19344236). In COL3A1, variants that affect these glycine residues are significantly enriched in individuals with disease (PMID: 24922459, 25758994) compared to the general population (ExAC).

Literature cited by the submitters: PubMed 12488462 (cited by Ambry Genetics); PubMed 19011090 (cited by Ambry Genetics); PubMed 7695699 (cited by Ambry Genetics and Labcorp Genetics (formerly Invitae), Labcorp); PubMed 8218237 (cited by Labcorp Genetics (formerly Invitae), Labcorp); PubMed 19344236 (cited by Labcorp Genetics (formerly Invitae), Labcorp); PubMed 24922459 (cited by Labcorp Genetics (formerly Invitae), Labcorp); PubMed 25758994 (cited by Labcorp Genetics (formerly Invitae), Labcorp).